The following is an entry in ClinVar:

NM_001291303.3(FAT4):c.6575G>A (p.Gly2192Asp)

Gene: FAT4 (FAT atypical cadherin 4; plus strand). Cytogenetic location: 4q28.1.
Variant type: single nucleotide variant.
Coding change: c.6575G>A on transcript NM_001291303.3 (MANE Select); coding-DNA position 6575, G replaced by A.
Protein change: p.Gly2192Asp; replaces glycine 2192 with aspartic acid.
Molecular consequence: missense variant.
Genome position (GRCh38, 1-based): chr4:125,415,538, G>A. VCF-style: chr4-125415538-G-A. GRCh37 (hg19) VCF-style: chr4-126336693-G-A.
Other names: c.6575G>A, p.Gly2192Asp (NM_001291285.3, NM_024582.6); c.6575G>A (NM_024582.4); short protein forms G2192D.
Identifiers: ClinVar variation 1422098 (VCV001422098.6), dbSNP rs752648220, ClinGen allele CA3072939.
Genomic context (GRCh38, chr4:125,415,538, plus strand): 5'-ATATAATACAAGTGTTCGCAGCAGATGGAGATGAAGGCACAAATGGACAGGTTCGCTATG[G>A]CATTGTTAATGGTAATACCAATCAGGAATTTCGGATAGACTCTGTCACAGGTGCCATCAC-3'
Protein context (NP_001278232.1, residues 2182-2202): DEGTNGQVRY[Gly2192Asp]IVNGNTNQEF

ClinVar aggregate classification (germline): Uncertain significance. Review status: criteria provided, multiple submitters, no conflicts (2 of 4 stars). 2 submissions from 2 submitters: Uncertain significance (2). Last evaluated 2025-02-08.

Conditions:
Inborn genetic diseases. Identifiers: MedGen C0950123, MeSH D030342.

Allele frequency attached by ClinVar (database versions not stated): ExAC 0.00001; gnomAD exomes 0.00001; gnomAD 0.00003 and 0.00004.
gnomAD v4.1: 19 of 1,613,978 alleles (0.0012%); highest among the groups gnomAD compares: African/African-American, 0.023%; no homozygotes.

Submissions (2):

Ambry Genetics
Classification: Uncertain significance for Inborn genetic diseases. Last evaluated: 2025-02-08. Review status: criteria provided, single submitter. Criteria: Ambry Variant Classification Scheme 2023. Collection method: clinical testing. Allele origin: germline.

Labcorp Genetics (formerly Invitae), Labcorp
Classification: Uncertain significance. Last evaluated: 2022-09-01. Review status: criteria provided, single submitter. Criteria: Invitae Variant Classification Sherloc (09022015). Collection method: clinical testing. Allele origin: germline.
Comment: This sequence change replaces glycine, which is neutral and non-polar, with aspartic acid, which is acidic and polar, at codon 2192 of the FAT4 protein (p.Gly2192Asp). The frequency data for this variant in the population databases is considered unreliable, as metrics indicate poor data quality at this position in the gnomAD database. This variant has not been reported in the literature in individuals affected with FAT4-related conditions. ClinVar contains an entry for this variant (Variation ID: 1422098). Advanced modeling of protein sequence and biophysical properties (such as structural, functional, and spatial information, amino acid conservation, physicochemical variation, residue mobility, and thermodynamic stability) performed at Invitae indicates that this missense variant is not expected to disrupt FAT4 protein function. In summary, the available evidence is currently insufficient to determine the role of this variant in disease. Therefore, it has been classified as a Variant of Uncertain Significance.